The following is an entry in ClinVar:

NM_000238.4(KCNH2):c.1854C>A (p.Thr618=)

Gene: KCNH2 (potassium voltage-gated channel subfamily H member 2; minus strand). Cytogenetic location: 7q36.1.
Variant type: single nucleotide variant.
Coding change: c.1854C>A on transcript NM_000238.4 (MANE Select); coding-DNA position 1854, C replaced by A.
Protein change: p.Thr618=; no amino-acid change (threonine 618 retained).
Molecular consequence: synonymous variant. On other transcripts: non-coding transcript variant (2).
Genome position (GRCh38, 1-based): chr7:150,951,539, G>T on the plus strand (C>A on the coding strand, the complement: KCNH2 is on the minus strand). VCF-style: chr7-150951539-G-T. GRCh37 (hg19) VCF-style: chr7-150648627-G-T.
Other names: c.834C>A, p.Thr278= (NM_001204798.2, NM_172057.3); c.1566C>A, p.Thr522= (NM_001406753.1, NM_001406756.1); c.1677C>A, p.Thr559= (NM_001406755.1); c.1554C>A, p.Thr518= (NM_001406757.1); c.1854C>A, p.Thr618= (NM_172056.3).
Identifiers: ClinVar variation 3386901 (VCV003386901.2).

ClinVar aggregate classification (germline): Likely benign. Review status: criteria provided, multiple submitters, no conflicts (2 of 4 stars). 2 submissions from 2 submitters: Likely benign (2). Last evaluated 2025-03-04.

Conditions:
Cardiovascular phenotype. Identifiers: MedGen CN230736.
Long QT syndrome (LQTS). Identifiers: MedGen C0023976, MeSH D008133, MONDO:0002442. Disease mechanism: loss of function. Inheritance: Various modes of inheritance.

Submissions (2):

Ambry Genetics
Classification: Likely benign for Cardiovascular phenotype. Last evaluated: 2025-03-04. Review status: criteria provided, single submitter. Criteria: Ambry Variant Classification Scheme 2023. Collection method: clinical testing. Allele origin: germline.

All of Us Research Program, National Institutes of Health
Classification: Likely benign for Long QT syndrome. Last evaluated: 2024-06-09. Review status: criteria provided, single submitter. Criteria: ACMG Guidelines, 2015. Collection method: clinical testing. Allele origin: germline. Inheritance: Autosomal dominant inheritance. Observed: 1 variant allele, 1 heterozygote.
Comment: This study involves interpretation of variants in research participants for the purpose of population health screening. Participant phenotype was not available at the time of variant classification. Additional details can be found in publication PMID: 35346344, PMCID: PMC8962531